The following is an entry in ClinVar:

NM_001039958.2(MESP2):c.925G>A (p.Gly309Ser)

Gene: MESP2 (mesoderm posterior bHLH transcription factor 2; plus strand). Cytogenetic location: 15q26.1.
Variant type: single nucleotide variant.
Coding change: c.925G>A on transcript NM_001039958.2 (MANE Select); coding-DNA position 925, G replaced by A.
Protein change: p.Gly309Ser; replaces glycine 309 with serine.
Molecular consequence: missense variant.
Genome position (GRCh38, 1-based): chr15:89,778,065, G>A. VCF-style: chr15-89778065-G-A. GRCh37 (hg19) VCF-style: chr15-90321296-G-A.
Other names: short protein forms G309S.
Identifiers: ClinVar variation 2162214 (VCV002162214.1), dbSNP rs777939697, ClinGen allele CA7730554.

ClinVar aggregate classification (germline): Uncertain significance (1 of 4 stars; one submission).

Allele frequency attached by ClinVar (database versions not stated): TOPMed below 0.00001; ExAC 0.00001; gnomAD exomes 0.00001.
gnomAD v4.1: 5 of 1,613,148 alleles (0.00031%); highest among the groups gnomAD compares: Admixed American, 0.0083%; no homozygotes.

Submission:

Labcorp Genetics (formerly Invitae), Labcorp
Classification: Uncertain significance. Last evaluated: 2022-06-29. Review status: criteria provided, single submitter. Criteria: Invitae Variant Classification Sherloc (09022015). Collection method: clinical testing. Allele origin: germline.
Comment: This sequence change replaces glycine, which is neutral and non-polar, with serine, which is neutral and polar, at codon 309 of the MESP2 protein (p.Gly309Ser). This variant is present in population databases (rs777939697, gnomAD 0.01%). This variant has not been reported in the literature in individuals affected with MESP2-related conditions. Algorithms developed to predict the effect of missense changes on protein structure and function output the following: SIFT: "Tolerated"; PolyPhen-2: "Benign"; Align-GVGD: "Class C0". The serine amino acid residue is found in multiple mammalian species, which suggests that this missense change does not adversely affect protein function. In summary, the available evidence is currently insufficient to determine the role of this variant in disease. Therefore, it has been classified as a Variant of Uncertain Significance.